The following is an entry in ClinVar:

ClinVar aggregate classification (germline): Benign/Likely benign. Review status: criteria provided, multiple submitters, no conflicts (2 of 4 stars). 4 submissions from 4 submitters: Benign (2); Likely benign (2). Last evaluated 2026-01-19.

Conditions:
Temtamy preaxial brachydactyly syndrome (TPBS). Identifiers: Orphanet 363417, MedGen C1854466, MONDO:0011533, OMIM 605282.

Allele frequency attached by ClinVar (database versions not stated): ExAC 0.00068; gnomAD 0.00223; TOPMed 0.00248; 1000 Genomes Project 0.00260; 1000 Genomes Project 30x 0.00281; ESP Exome Variant Server 0.00284.
gnomAD v4.1: 803 of 1,614,186 alleles (0.05%); highest among the groups gnomAD compares: African/African-American, 0.77%; 8 homozygotes.

Submissions (4):

Labcorp Genetics (formerly Invitae), Labcorp
Classification: Benign for Temtamy preaxial brachydactyly syndrome. Last evaluated: 2026-01-19. Review status: criteria provided, single submitter. Criteria: Invitae Variant Classification Sherloc (09022015). Collection method: clinical testing. Allele origin: germline.

Blueprint Genetics
Classification: Benign. Last evaluated: 2024-11-13. Review status: criteria provided, single submitter. Criteria: ACMG Guidelines, 2015. Collection method: clinical testing. Allele origin: germline.

CeGaT Center for Human Genetics Tuebingen
Classification: Likely benign. Last evaluated: 2022-12-01. Review status: criteria provided, single submitter. Criteria: CeGaT Center For Human Genetics Tuebingen Variant Classification Criteria Version 2. Collection method: clinical testing. Allele origin: germline. Affected: yes. Observed: 1 variant allele.
Comment: CHSY1: BP4, BP7, BS2

Eurofins Ntd Llc (ga)
Classification: Likely benign. Last evaluated: 2015-10-02. Review status: criteria provided, single submitter. Criteria: EGL Classification Definitions 2015. Collection method: clinical testing. Allele origin: germline. Observed: 2 variant alleles, 2 heterozygotes.

NM_014918.5(CHSY1):c.2088G>A (p.Thr696=)

Gene: CHSY1 (chondroitin sulfate synthase 1; minus strand). Cytogenetic location: 15q26.3.
Variant type: single nucleotide variant.
Coding change: c.2088G>A on transcript NM_014918.5 (MANE Select); coding-DNA position 2088, G replaced by A.
Protein change: p.Thr696=; no amino-acid change (threonine 696 retained).
Molecular consequence: synonymous variant.
Genome position (GRCh38, 1-based): chr15:101,177,709, C>T on the plus strand (G>A on the coding strand, the complement: CHSY1 is on the minus strand). VCF-style: chr15-101177709-C-T. GRCh37 (hg19) VCF-style: chr15-101717914-C-T.
Identifiers: ClinVar variation 283194 (VCV000283194.40), dbSNP rs150245745, ClinGen allele CA7762414.